The following is an entry in ClinVar:

ClinVar aggregate classification (germline): Conflicting classifications of pathogenicity. Review status: criteria provided, conflicting classifications (1 of 4 stars). 4 submissions from 4 submitters: Uncertain significance (1); Likely benign (2). 1 of the submissions does not count toward it. Last evaluated 2024-10-05.

Conditions:
PCNT-related disorder. Also called: PCNT-related condition.
Microcephalic osteodysplastic primordial dwarfism type II (MOPD2). Also called: Microcephalic osteodysplastic primordial dwarfism with tooth abnormalities; MOPD II; OSTEODYSPLASTIC PRIMORDIAL DWARFISM, TYPE II. Identifiers: Orphanet 2637, MedGen C0432246, MONDO:0008872, OMIM 210720.

Allele frequency attached by ClinVar (database versions not stated): gnomAD below 0.00001 and 0.00001; TOPMed 0.00001; ExAC 0.00004; gnomAD exomes 0.00004.
gnomAD v4.1: 43 of 1,607,376 alleles (0.0027%); highest among the groups gnomAD compares: East Asian, 0.056%; no homozygotes.

Submissions (4):

Labcorp Genetics (formerly Invitae), Labcorp
Classification: Likely benign. Last evaluated: 2024-10-05. Review status: criteria provided, single submitter. Criteria: Invitae Variant Classification Sherloc (09022015). Collection method: clinical testing. Allele origin: germline.

ARUP Laboratories, Molecular Genetics and Genomics, ARUP Laboratories
Classification: Likely benign for Microcephalic osteodysplastic primordial dwarfism type II. Last evaluated: 2020-04-09. Review status: criteria provided, single submitter. Criteria: ARUP Molecular Germline Variant Investigation Process. Collection method: clinical testing. Allele origin: germline.

Illumina Laboratory Services, Illumina
Classification: Uncertain significance for Microcephalic osteodysplastic primordial dwarfism type II. Last evaluated: 2018-01-13. Review status: criteria provided, single submitter. Criteria: ICSL Variant Classification Criteria 13 December 2019. Collection method: clinical testing. Allele origin: germline.

PreventionGenetics, part of Exact Sciences
Classification: Likely benign for PCNT-related condition. Last evaluated: 2022-10-05. Review status: no assertion criteria provided. Collection method: clinical testing. Allele origin: germline. Not counted in ClinVar's aggregate classification.
Comment: This variant is classified as likely benign based on ACMG/AMP sequence variant interpretation guidelines (Richards et al. 2015 PMID: 25741868, with internal and published modifications).

NM_006031.6(PCNT):c.1083A>G (p.Leu361=)

Gene: PCNT (pericentrin; plus strand). Cytogenetic location: 21q22.3.
Variant type: single nucleotide variant.
Coding change: c.1083A>G on transcript NM_006031.6 (MANE Select); coding-DNA position 1083, A replaced by G.
Protein change: p.Leu361=; no amino-acid change (leucine 361 retained).
Molecular consequence: synonymous variant.
Genome position (GRCh38, 1-based): chr21:46,349,062, A>G. VCF-style: chr21-46349062-A-G. GRCh37 (hg19) VCF-style: chr21-47768976-A-G.
Other names: c.729A>G, p.Leu243= (NM_001315529.2).
Identifiers: ClinVar variation 895342 (VCV000895342.16), dbSNP rs758561093, ClinGen allele CA10078510.